The following is an entry in ClinVar:

ClinVar aggregate classification (germline): Uncertain significance (1 of 4 stars; one submission).

Conditions:
Inborn genetic diseases. Identifiers: MedGen C0950123, MeSH D030342.

Allele frequency attached by ClinVar (database versions not stated): gnomAD exomes below 0.00001; ExAC 0.00001.
gnomAD v4.1: 1 of 1,614,116 alleles (0.000062%); highest among the groups gnomAD compares: Non-Finnish European, 0.000085%; no homozygotes.

Submission:

Ambry Genetics
Classification: Uncertain significance for Inborn genetic diseases. Last evaluated: 2025-01-09. Review status: criteria provided, single submitter. Criteria: Ambry Variant Classification Scheme 2023. Collection method: clinical testing. Allele origin: germline.
Comment: The p.G63R variant (also known as c.187G>C), located in coding exon 2 of the BMPR2 gene, results from a G to C substitution at nucleotide position 187. The glycine at codon 63 is replaced by arginine, an amino acid with dissimilar properties. This amino acid position is conserved. In addition, this alteration is predicted to be deleterious by in silico analysis. Based on the available evidence, the clinical significance of this variant remains unclear.

NM_001204.7(BMPR2):c.187G>C (p.Gly63Arg)

Gene: BMPR2 (bone morphogenetic protein receptor type 2; plus strand). Cytogenetic location: 2q33.1.
Variant type: single nucleotide variant.
Coding change: c.187G>C on transcript NM_001204.7 (MANE Select); coding-DNA position 187, G replaced by C.
Protein change: p.Gly63Arg; replaces glycine 63 with arginine.
Molecular consequence: missense variant.
Genome position (GRCh38, 1-based): chr2:202,464,919, G>C. VCF-style: chr2-202464919-G-C. GRCh37 (hg19) VCF-style: chr2-203329642-G-C.
Other names: short protein forms G63R.
Identifiers: ClinVar variation 2559144 (VCV002559144.3), dbSNP rs767827692, ClinGen allele CA2061048.